The following is an entry in ClinVar:

NM_203397.3(MBLAC1):c.-28-1G>A

Gene: MBLAC1 (metallo-beta-lactamase domain containing 1; plus strand). Cytogenetic location: 7q22.1.
Variant type: single nucleotide variant.
Coding change: c.-28-1G>A on transcript NM_203397.3 (MANE Select); the canonical splice acceptor site of the intron before 28 bases upstream of the start codon, G replaced by A.
Molecular consequence: splice acceptor variant.
Genome position (GRCh38, 1-based): chr7:100,127,367, G>A. VCF-style: chr7-100127367-G-A. GRCh37 (hg19) VCF-style: chr7-99724990-G-A.
Identifiers: ClinVar variation 3358894 (VCV003358894.1).
Genomic context (GRCh38, chr7:100,127,367, plus strand): 5'-CGGGTGGGGGATCGCGGAGGGACAGGACGGTCGCCCACTGCTCCATTTCCTTTCTCCCCA[G>A]CCCGTCCCTCCCTGCCAGGAGCAGCCTCATGCGGACCGAGCCGCTGTGCGGGGCATCCCC-3'

ClinVar aggregate classification (germline): Likely pathogenic (0 of 4 stars; one submission).

Conditions:
Familial long QT syndrome (RWS). Also called: Romano-Ward syndrome; VENTRICULAR FIBRILLATION WITH PROLONGED QT INTERVAL; Congenital long QT syndrome. Identifiers: Orphanet 768, MedGen C1141890, MONDO:0019171.

Submission:

Genetics and Genomics Program, Sidra Medicine
Classification: Likely pathogenic for Isolated congenital long QT syndrome. Review status: no assertion criteria provided. Collection method: research. Allele origin: unknown. Affected: yes.
Comment: The c.-28-1G>A splice acceptor variant in MBLAC1 is a null variant (intronic, within ±2 of the splice site). It is absent from population databases such as gnomAD, indicating rarity (PM2). The variant is predicted to disrupt splicing (PVS1). The evidence supports a likely pathogenic classification (ACMG codes: PM2, PVS1).